The following is an entry in ClinVar:

NM_018941.4(CLN8):c.503T>C (p.Met168Thr)

Gene: CLN8 (CLN8 transmembrane ER and ERGIC protein; plus strand). Cytogenetic location: 8p23.3.
Variant type: single nucleotide variant.
Coding change: c.503T>C on transcript NM_018941.4 (MANE Select); coding-DNA position 503, T replaced by C.
Protein change: p.Met168Thr; replaces methionine 168 with threonine.
Molecular consequence: missense variant.
Genome position (GRCh38, 1-based): chr8:1,771,557, T>C. VCF-style: chr8-1771557-T-C. GRCh37 (hg19) VCF-style: chr8-1719723-T-C.
Other names: short protein forms M168T.
Identifiers: ClinVar variation 1006423 (VCV001006423.2), dbSNP rs374031055, ClinGen allele CA4599276.

ClinVar aggregate classification (germline): Uncertain significance (1 of 4 stars; one submission).

Conditions:
Neuronal ceroid lipofuscinosis. Also called: Neuronal Ceroid Lipofuscinoses. Identifiers: Orphanet 216, Orphanet 79263, MedGen C0027877, MONDO:0016295. Disease mechanism: loss of function.

Allele frequency attached by ClinVar (database versions not stated): gnomAD exomes below 0.00001 and 0.00001; ExAC 0.00001; gnomAD 0.00003; TOPMed 0.00004; ESP Exome Variant Server 0.00015.

Submission:

Labcorp Genetics (formerly Invitae), Labcorp
Classification: Uncertain significance for Neuronal ceroid lipofuscinosis. Last evaluated: 2022-09-07. Review status: criteria provided, single submitter. Criteria: Invitae Variant Classification Sherloc (09022015). Collection method: clinical testing. Allele origin: germline.
Comment: This sequence change replaces methionine, which is neutral and non-polar, with threonine, which is neutral and polar, at codon 168 of the CLN8 protein (p.Met168Thr). This variant is present in population databases (rs374031055, gnomAD 0.007%). This variant has not been reported in the literature in individuals affected with CLN8-related conditions. ClinVar contains an entry for this variant (Variation ID: 1006423). Advanced modeling of protein sequence and biophysical properties (such as structural, functional, and spatial information, amino acid conservation, physicochemical variation, residue mobility, and thermodynamic stability) performed at Invitae indicates that this missense variant is expected to disrupt CLN8 protein function. In summary, the available evidence is currently insufficient to determine the role of this variant in disease. Therefore, it has been classified as a Variant of Uncertain Significance.